The following is an entry in ClinVar:

ClinVar aggregate classification (germline): Uncertain significance. Review status: criteria provided, multiple submitters, no conflicts (2 of 4 stars). 2 submissions from 2 submitters: Uncertain significance (2). Last evaluated 2023-06-23.

Conditions:
Arrhythmogenic cardiomyopathy with wooly hair and keratoderma. Also called: PALMOPLANTAR KERATODERMA WITH LEFT VENTRICULAR CARDIOMYOPATHY AND WOOLLY HAIR; Carvajal syndrome; Dilated cardiomyopathy with woolly hair and keratoderma; Arrhythmogenic cardiomyopathy with woolly hair and keratoderma. Identifiers: Orphanet 65282, MedGen C1854063, MONDO:0011581, OMIM 605676.
Arrhythmogenic right ventricular dysplasia 8 (ARVD8). Also called: Arrhythmogenic Right Ventricular Dysplasia/Cardiomyopathy 8; ARRHYTHMOGENIC RIGHT VENTRICULAR DYSPLASIA, FAMILIAL, 8; ARRHYTHMOGENIC RIGHT VENTRICULAR CARDIOMYOPATHY 8. Identifiers: MedGen C1843896, MONDO:0011831, OMIM 607450.
Cardiovascular phenotype. Identifiers: MedGen CN230736.

gnomAD v4.1: 1 of 1,613,974 alleles (0.000062%); highest among the groups gnomAD compares: African/African-American, 0.0013%; no homozygotes.

Submissions (2):

Ambry Genetics
Classification: Uncertain significance for Cardiovascular phenotype. Last evaluated: 2023-06-23. Review status: criteria provided, single submitter. Criteria: Ambry Variant Classification Scheme 2023. Collection method: clinical testing. Allele origin: germline.
Comment: The p.S2708T variant (also known as c.8122T>A), located in coding exon 24 of the DSP gene, results from a T to A substitution at nucleotide position 8122. The serine at codon 2708 is replaced by threonine, an amino acid with similar properties. This amino acid position is conserved. In addition, the in silico prediction for this alteration is inconclusive. Since supporting evidence is limited at this time, the clinical significance of this alteration remains unclear.

Labcorp Genetics (formerly Invitae), Labcorp
Classification: Uncertain significance for Arrhythmogenic cardiomyopathy with wooly hair and keratoderma; Arrhythmogenic right ventricular dysplasia 8. Last evaluated: 2019-06-21. Review status: criteria provided, single submitter. Criteria: Invitae Variant Classification Sherloc (09022015). Collection method: clinical testing. Allele origin: germline.
Comment: This sequence change replaces serine with threonine at codon 2708 of the DSP protein (p.Ser2708Thr). The serine residue is highly conserved and there is a small physicochemical difference between serine and threonine. This variant is not present in population databases (ExAC no frequency). This variant has not been reported in the literature in individuals with DSP-related disease. Algorithms developed to predict the effect of missense changes on protein structure and function (SIFT, PolyPhen-2, Align-GVGD) all suggest that this variant is likely to be disruptive, but these predictions have not been confirmed by published functional studies and their clinical significance is uncertain. In summary, the available evidence is currently insufficient to determine the role of this variant in disease. Therefore, it has been classified as a Variant of Uncertain Significance.

NM_004415.4(DSP):c.8122T>A (p.Ser2708Thr)

Gene: DSP (desmoplakin; plus strand). Cytogenetic location: 6p24.3.
Variant type: single nucleotide variant.
Coding change: c.8122T>A on transcript NM_004415.4 (MANE Select); coding-DNA position 8122, T replaced by A.
Protein change: p.Ser2708Thr; replaces serine 2708 with threonine.
Molecular consequence: missense variant.
Genome position (GRCh38, 1-based): chr6:7,585,384, T>A. VCF-style: chr6-7585384-T-A. GRCh37 (hg19) VCF-style: chr6-7585617-T-A.
Other names: c.8122T>A (LRG_423t1); c.6325T>A, p.Ser2109Thr (NM_001008844.3); c.6793T>A, p.Ser2265Thr (NM_001319034.2); short protein forms S2708T, S2265T, S2109T.
Identifiers: ClinVar variation 534313 (VCV000534313.13), dbSNP rs924262414, ClinGen allele CA133977241.